The following is an entry in ClinVar:

NM_006904.7(PRKDC):c.10522A>G (p.Lys3508Glu)

Gene: PRKDC (protein kinase, DNA-activated, catalytic subunit; minus strand). Cytogenetic location: 8q11.21.
Variant type: single nucleotide variant.
Coding change: c.10522A>G on transcript NM_006904.7 (MANE Select); coding-DNA position 10522, A replaced by G.
Protein change: p.Lys3508Glu; replaces lysine 3508 with glutamic acid.
Molecular consequence: missense variant.
Genome position (GRCh38, 1-based): chr8:47,794,438, T>C on the plus strand (A>G on the coding strand, the complement: PRKDC is on the minus strand). VCF-style: chr8-47794438-T-C. GRCh37 (hg19) VCF-style: chr8-48706999-T-C.
Other names: c.10522A>G, p.Lys3508Glu (NM_001081640.2); short protein forms K3508E.
Identifiers: ClinVar variation 1777408 (VCV001777408.2), dbSNP rs748821700, ClinGen allele CA4739301.

ClinVar aggregate classification (germline): Uncertain significance (1 of 4 stars; one submission).

Allele frequency attached by ClinVar (database versions not stated): ExAC 0.00001.

Submission:

Ambry Genetics
Classification: Uncertain significance. Last evaluated: 2022-08-23. Review status: criteria provided, single submitter. Criteria: Ambry Variant Classification Scheme 2023. Collection method: clinical testing. Allele origin: germline.
Comment: The p.K3508E variant (also known as c.10522A>G), located in coding exon 74 of the PRKDC gene, results from an A to G substitution at nucleotide position 10522. The lysine at codon 3508 is replaced by glutamic acid, an amino acid with similar properties. This amino acid position is conserved. In addition, the in silico prediction for this alteration is inconclusive. Since supporting evidence is limited at this time, the clinical significance of this alteration remains unclear.